The following is an entry in ClinVar:

ClinVar aggregate classification (germline): Likely benign. Review status: criteria provided, multiple submitters, no conflicts (2 of 4 stars). 2 submissions from 2 submitters: Likely benign (2). Last evaluated 2025-05-22.

Conditions:
Hereditary sensory and autonomic neuropathy type 6. Also called: HSAN VI; Neuropathy, hereditary sensory and autonomic, type VI. Identifiers: Orphanet 314381, MedGen C3539003, MONDO:0013839, OMIM 614653.
Epidermolysis bullosa simplex 3, localized or generalized intermediate, with BP230 deficiency (EBS3). Also called: Epidermolysis bullosa simplex due to BP230 deficiency; Epidermolysis bullosa simplex, autosomal recessive 2. Identifiers: Orphanet 412181, MedGen C3809470, MONDO:0014180, OMIM 615425.
DST-related disorder. Also called: DST-related disorders; DST-related condition.

Allele frequency attached by ClinVar (database versions not stated): 1000 Genomes Project 0.00020; TOPMed 0.00021; gnomAD 0.00027 and 0.00029; gnomAD exomes 0.00006; ESP Exome Variant Server 0.00008; ExAC 0.00009; 1000 Genomes Project 30x 0.00016.
gnomAD v4.1: 61 of 1,614,038 alleles (0.0038%); highest among the groups gnomAD compares: African/African-American, 0.077%; no homozygotes.

Submissions (2):

Labcorp Genetics (formerly Invitae), Labcorp
Classification: Likely benign for Epidermolysis bullosa simplex 3, localized or generalized intermediate, with BP230 deficiency; Hereditary sensory and autonomic neuropathy type 6. Last evaluated: 2025-05-22. Review status: criteria provided, single submitter. Criteria: Invitae Variant Classification Sherloc (09022015). Collection method: clinical testing. Allele origin: germline.

PreventionGenetics, part of Exact Sciences
Classification: Likely benign for DST-related condition. Last evaluated: 2025-03-09. Review status: criteria provided, single submitter. Criteria: ACMG Guidelines, 2015. Collection method: clinical testing. Allele origin: germline.
Comment: This variant is classified as likely benign based on ACMG/AMP sequence variant interpretation guidelines (Richards et al. 2015 PMID: 25741868, with internal and published modifications).

NM_001723.7(DST):c.5304T>C (p.Thr1768=)

Gene: DST (dystonin; minus strand). Cytogenetic location: 6p12.1.
Variant type: single nucleotide variant.
Coding change: c.5304T>C on transcript NM_001723.7 (MANE Plus Clinical); coding-DNA position 5304, T replaced by C.
Protein change: p.Thr1768=; no amino-acid change (threonine 1768 retained).
Molecular consequence: synonymous variant. On other transcripts: intron variant (10).
Genome position (GRCh38, 1-based): chr6:56,618,730, A>G on the plus strand (T>C on the coding strand, the complement: DST is on the minus strand). VCF-style: chr6-56618730-A-G. GRCh37 (hg19) VCF-style: chr6-56483528-A-G.
Other names: c.4831-4246T>C (NM_001144769.5); c.4930-4246T>C (NM_001374722.1, NM_001374736.1); c.4957-4246T>C (NM_001374734.1); c.4417-4246T>C (NM_001144770.2); c.4297-4246T>C (NM_001374730.1, NM_001386100.1, NM_183380.4 and 1 more transcripts); c.3319-4246T>C (NM_015548.5).
Identifiers: ClinVar variation 792042 (VCV000792042.12), dbSNP rs375931704, ClinGen allele CA3870385.